The following is an entry in ClinVar:

NM_001130438.3(SPTAN1):c.6312G>A (p.Lys2104=)

Gene: SPTAN1 (spectrin alpha, non-erythrocytic 1; plus strand). Cytogenetic location: 9q34.11.
Variant type: single nucleotide variant.
Coding change: c.6312G>A on transcript NM_001130438.3 (MANE Select); coding-DNA position 6312, G replaced by A.
Protein change: p.Lys2104=; no amino-acid change (lysine 2104 retained).
Molecular consequence: synonymous variant.
Genome position (GRCh38, 1-based): chr9:128,626,423, G>A. VCF-style: chr9-128626423-G-A. GRCh37 (hg19) VCF-style: chr9-131388702-G-A.
Other names: p.Lys2104=; c.6237G>A, p.Lys2079= (NM_001195532.2); c.6312G>A, p.Lys2104= (NM_001363759.2, NM_001375310.1, NM_001375311.2 and 1 more transcripts); c.6252G>A, p.Lys2084= (NM_001363765.2, NM_001375314.2); c.6348G>A, p.Lys2116= (NM_001375312.2, NM_001375318.1); c.6297G>A, p.Lys2099= (NM_003127.4).
Identifiers: ClinVar variation 936721 (VCV000936721.12), dbSNP rs759120249, ClinGen allele CA5265694.
Genomic context (GRCh38, chr9:128,626,423, plus strand): 5'-CCGCCAACTCAGTCTCTTCTGCTTCCAGGTGGAGGACCTCTTCCTGACCTTCGCCAAAAA[G>A]GCTTCTGCCTTCAACAGCTGGTTTGAAAATGCAGAGGAGGACTTAACAGACCCCGTGCGC-3'
Protein context (NP_001123910.1, residues 2094-2114): VEDLFLTFAK[Lys2104=]ASAFNSWFEN

ClinVar aggregate classification (germline): Likely benign. Review status: criteria provided, multiple submitters, no conflicts (2 of 4 stars). 3 submissions from 3 submitters: Likely benign (3). Last evaluated 2026-04-21.

Conditions:
Early-infantile DEE. Also called: Ohtahara syndrome; Early infantile epileptic encephalopathy; Early infantile epileptic encephalopathy with suppression bursts. Identifiers: Orphanet 1934, MedGen C0393706, MONDO:0800491.

Allele frequency attached by ClinVar (database versions not stated): ExAC 0.00001; gnomAD 0.00001; gnomAD exomes 0.00001 and 0.00002; TOPMed 0.00001.

Submissions (3):

Women's Health and Genetics/Laboratory Corporation of America, LabCorp
Classification: Likely benign. Last evaluated: 2026-04-21. Review status: criteria provided, single submitter. Criteria: LabCorp Variant Classification Summary - May 2015. Collection method: clinical testing. Allele origin: germline.

Labcorp Genetics (formerly Invitae), Labcorp
Classification: Likely benign for Early-infantile DEE. Last evaluated: 2025-11-03. Review status: criteria provided, single submitter. Criteria: Invitae Variant Classification Sherloc (09022015). Collection method: clinical testing. Allele origin: germline.

Mayo Clinic Laboratories, Mayo Clinic
Classification: Likely benign. Last evaluated: 2025-02-17. Review status: criteria provided, single submitter. Criteria: ACMG Guidelines, 2015. Collection method: clinical testing. Allele origin: germline. Observed: 1 variant allele.
Comment: BP4, BP7